The following is an entry in ClinVar:

ClinVar aggregate classification (germline): Uncertain significance (1 of 4 stars; one submission).

Allele frequency attached by ClinVar (database versions not stated): gnomAD 0.00001.
gnomAD v4.1: 1 of 1,561,524 alleles (0.000064%); highest among the groups gnomAD compares: African/African-American, 0.0014%; no homozygotes.

Submission:

Labcorp Genetics (formerly Invitae), Labcorp
Classification: Uncertain significance. Last evaluated: 2021-05-05. Review status: criteria provided, single submitter. Criteria: Invitae Variant Classification Sherloc (09022015). Collection method: clinical testing. Allele origin: germline.
Comment: In summary, the available evidence is currently insufficient to determine the role of this variant in disease. Therefore, it has been classified as a Variant of Uncertain Significance. Algorithms developed to predict the effect of missense changes on protein structure and function are either unavailable or do not agree on the potential impact of this missense change (SIFT: "Deleterious"; PolyPhen-2: "Possibly Damaging"; Align-GVGD: "Class C0"). This variant has not been reported in the literature in individuals with BCL11B-related conditions. This variant is not present in population databases (ExAC no frequency). This sequence change replaces proline with arginine at codon 399 of the BCL11B protein (p.Pro399Arg). The proline residue is highly conserved and there is a moderate physicochemical difference between proline and arginine.

NM_138576.4(BCL11B):c.1196C>G (p.Pro399Arg)

Gene: BCL11B (BCL11 transcription factor B; minus strand). Cytogenetic location: 14q32.2.
Variant type: single nucleotide variant.
Coding change: c.1196C>G on transcript NM_138576.4 (MANE Select); coding-DNA position 1196, C replaced by G.
Protein change: p.Pro399Arg; replaces proline 399 with arginine.
Molecular consequence: missense variant.
Genome position (GRCh38, 1-based): chr14:99,175,640, G>C on the plus strand (C>G on the coding strand, the complement: BCL11B is on the minus strand). VCF-style: chr14-99175640-G-C. GRCh37 (hg19) VCF-style: chr14-99641977-G-C.
Other names: c.1193C>G, p.Pro398Arg (NM_001282237.2); c.980C>G, p.Pro327Arg (NM_001282238.2); c.983C>G, p.Pro328Arg (NM_022898.3); short protein forms P328R, P327R, P398R, P399R.
Identifiers: ClinVar variation 1480898 (VCV001480898.8), dbSNP rs774985123, ClinGen allele CA390935908.